The following is an entry in ClinVar:

NM_001354604.2(MITF):c.1555A>G (p.Met519Val)

Gene: MITF (melanocyte inducing transcription factor; plus strand). Cytogenetic location: 3p13.
Variant type: single nucleotide variant.
Coding change: c.1555A>G on transcript NM_001354604.2 (MANE Select); coding-DNA position 1555, A replaced by G.
Protein change: p.Met519Val; replaces methionine 519 with valine.
Molecular consequence: missense variant.
Genome position (GRCh38, 1-based): chr3:69,965,222, A>G. VCF-style: chr3-69965222-A-G. GRCh37 (hg19) VCF-style: chr3-70014373-A-G.
Other names: c.1234A>G, p.Met412Val (NM_000248.4); c.1381A>G, p.Met461Val (NM_001184967.2, NM_001354608.2); c.1552A>G, p.Met518Val (NM_001354605.2); c.1534A>G, p.Met512Val (NM_001354606.2, NM_006722.3); c.1486A>G, p.Met496Val (NM_001354607.2); c.1216A>G, p.Met406Val (NM_198158.3); c.1537A>G, p.Met513Val (NM_198159.3); c.1489A>G, p.Met497Val (NM_198177.3); and 1 more; short protein forms M350V, M513V, M518V, M406V, M461V, M496V, M412V, M497V.
Identifiers: ClinVar variation 3873267 (VCV003873267.2).
Genomic context (GRCh38, chr3:69,965,222, plus strand): 5'-CTCCTTTCCTCAGTGTCCCCCGGAGCTTCCAAAACAAGCAGCCGGAGGAGCAGTATGAGC[A>G]TGGAAGAGACGGAGCACACTTGTTAGCGAATCCTCCCTGCACTGCATTCGCACAAACTGC-3'
Protein context (NP_001341533.1, residues 509-526): KTSSRRSSMS[Met519Val]EETEHTC

ClinVar aggregate classification (germline): Uncertain significance (1 of 4 stars; one submission).

Conditions:
Hereditary cancer-predisposing syndrome. Also called: Neoplastic Syndromes, Hereditary; Tumor predisposition; Hereditary neoplastic syndrome; Hereditary Cancer Syndrome. Identifiers: Orphanet 140162, MedGen C0027672, MeSH D009386, MONDO:0015356.

gnomAD v4.1: 1 of 1,613,984 alleles (0.000062%); no homozygotes.

Submission:

Ambry Genetics
Classification: Uncertain significance for Hereditary cancer-predisposing syndrome. Last evaluated: 2025-12-29. Review status: criteria provided, single submitter. Criteria: Ambry Variant Classification Scheme 2023. Collection method: clinical testing. Allele origin: germline.
Comment: The p.M412V variant (also known as c.1234A>G), located in coding exon 9 of the MITF gene, results from an A to G substitution at nucleotide position 1234. The methionine at codon 412 is replaced by valine, an amino acid with highly similar properties. This amino acid position is conserved. In addition, this alteration is predicted to be tolerated by in silico analysis. Based on the available evidence, the clinical significance of this variant remains unclear.